The following is an entry in ClinVar:

NM_006922.4(SCN3A):c.2678T>C (p.Val893Ala)

Gene: SCN3A (sodium voltage-gated channel alpha subunit 3; minus strand). Cytogenetic location: 2q24.3.
Variant type: single nucleotide variant.
Coding change: c.2678T>C on transcript NM_006922.4 (MANE Select); coding-DNA position 2678, T replaced by C.
Protein change: p.Val893Ala; replaces valine 893 with alanine.
Molecular consequence: missense variant.
Genome position (GRCh38, 1-based): chr2:165,130,184, A>G on the plus strand (T>C on the coding strand, the complement: SCN3A is on the minus strand). VCF-style: chr2-165130184-A-G. GRCh37 (hg19) VCF-style: chr2-165986694-A-G.
Other names: c.2531T>C, p.Val844Ala (NM_001081676.2, NM_001081677.2); short protein forms V844A, V893A.
Identifiers: ClinVar variation 1507507 (VCV001507507.6), dbSNP rs1687228011, ClinGen allele CA349042783.

ClinVar aggregate classification (germline): Uncertain significance (1 of 4 stars; one submission).

Allele frequency attached by ClinVar (database versions not stated): TOPMed below 0.00001.

Submission:

Labcorp Genetics (formerly Invitae), Labcorp
Classification: Uncertain significance. Last evaluated: 2021-11-10. Review status: criteria provided, single submitter. Criteria: Invitae Variant Classification Sherloc (09022015). Collection method: clinical testing. Allele origin: germline.
Comment: This sequence change replaces valine, which is neutral and non-polar, with alanine, which is neutral and non-polar, at codon 893 of the SCN3A protein (p.Val893Ala). This variant is not present in population databases (gnomAD no frequency). This variant has not been reported in the literature in individuals affected with SCN3A-related conditions. Algorithms developed to predict the effect of missense changes on protein structure and function (SIFT, PolyPhen-2, Align-GVGD) all suggest that this variant is likely to be disruptive. In summary, the available evidence is currently insufficient to determine the role of this variant in disease. Therefore, it has been classified as a Variant of Uncertain Significance.